The following is an entry in ClinVar:

ClinVar aggregate classification (germline): Likely benign (1 of 4 stars; one submission).

Submission:

CeGaT Center for Human Genetics Tuebingen
Classification: Likely benign. Last evaluated: 2025-05-01. Review status: criteria provided, single submitter. Criteria: CeGaT Center For Human Genetics Tuebingen Variant Classification Criteria Version 2. Collection method: clinical testing. Allele origin: germline. Affected: yes. Observed: 1 variant allele.
Comment: POGLUT1: PM2:Supporting, BP4, BP7

NM_152305.3(POGLUT1):c.1011G>A (p.Glu337=)

Gene: POGLUT1 (protein O-glucosyltransferase 1; plus strand). Cytogenetic location: 3q13.33.
Variant type: single nucleotide variant.
Coding change: c.1011G>A on transcript NM_152305.3 (MANE Select); coding-DNA position 1011, G replaced by A.
Protein change: p.Glu337=; no amino-acid change (glutamic acid 337 retained).
Molecular consequence: synonymous variant. On other transcripts: non-coding transcript variant (1).
Genome position (GRCh38, 1-based): chr3:119,491,563, G>A. VCF-style: chr3-119491563-G-A. GRCh37 (hg19) VCF-style: chr3-119210410-G-A.
Identifiers: ClinVar variation 3904999 (VCV003904999.10).